The following is an entry in ClinVar:

NM_181672.3(OGT):c.974C>T (p.Thr325Ile)

Gene: OGT (O-linked N-acetylglucosamine (GlcNAc) transferase; plus strand). Cytogenetic location: Xq13.1.
Variant type: single nucleotide variant.
Coding change: c.974C>T on transcript NM_181672.3 (MANE Select); coding-DNA position 974, C replaced by T.
Protein change: p.Thr325Ile; replaces threonine 325 with isoleucine.
Molecular consequence: missense variant.
Genome position (GRCh38, 1-based): chrX:71,556,003, C>T. VCF-style: chrX-71556003-C-T. GRCh37 (hg19) VCF-style: chrX-70775853-C-T.
Other names: c.944C>T, p.Thr315Ile (NM_181673.3); short protein forms T315I, T325I.
Identifiers: ClinVar variation 1304081 (VCV001304081.3), dbSNP rs1222893946, ClinGen allele CA413549741.

ClinVar aggregate classification (germline): Uncertain significance (1 of 4 stars; one submission).

Allele frequency attached by ClinVar (database versions not stated): TOPMed 0.00001.

Submission:

GeneDx
Classification: Uncertain significance. Last evaluated: 2026-03-20. Review status: criteria provided, single submitter. Criteria: GeneDx Variant Classification Process June 2021. Collection method: clinical testing. Allele origin: germline. Affected: yes.
Comment: Not observed at significant frequency in large population cohorts (gnomAD); In silico analysis supports that this missense variant has a deleterious effect on protein structure/function; Has not been previously published as pathogenic or benign to our knowledge